The following is an entry in ClinVar:

NM_000465.4(BARD1):c.1818T>G (p.His606Gln)

Gene: BARD1 (BRCA1 associated RING domain 1; minus strand). Cytogenetic location: 2q35.
Variant type: single nucleotide variant.
Coding change: c.1818T>G on transcript NM_000465.4 (MANE Select); coding-DNA position 1818, T replaced by G.
Protein change: p.His606Gln; replaces histidine 606 with glutamine.
Molecular consequence: missense variant. On other transcripts: non-coding transcript variant (3), intron variant (1).
Genome position (GRCh38, 1-based): chr2:214,745,152, A>C on the plus strand (T>G on the coding strand, the complement: BARD1 is on the minus strand). VCF-style: chr2-214745152-A-C. GRCh37 (hg19) VCF-style: chr2-215609876-A-C.
Other names: c.1761T>G, p.His587Gln (NM_001282543.2); c.465T>G, p.His155Gln (NM_001282545.2); c.408T>G, p.His136Gln (NM_001282548.2); c.365-14644T>G (NM_001282549.2); short protein forms H606Q, H587Q, H136Q, H155Q.
Identifiers: ClinVar variation 631420 (VCV000631420.14), dbSNP rs199590147, ClinGen allele CA350452349.

ClinVar aggregate classification (germline): Uncertain significance. Review status: criteria provided, multiple submitters, no conflicts (2 of 4 stars). 4 submissions from 4 submitters: Uncertain significance (4). Last evaluated 2024-08-16.

Conditions:
Hereditary cancer-predisposing syndrome. Also called: Tumor predisposition; Neoplastic Syndromes, Hereditary; Hereditary neoplastic syndrome; Hereditary Cancer Syndrome. Identifiers: Orphanet 140162, MedGen C0027672, MeSH D009386, MONDO:0015356.
Familial cancer of breast. Also called: hereditary breast carcinoma; BREAST CANCER, FAMILIAL; Hereditary breast cancer. Identifiers: Orphanet 227535, MedGen C0346153, MONDO:0016419, OMIM 114480. Disease mechanism: loss of function.

Submissions (4):

Ambry Genetics
Classification: Uncertain significance for Hereditary cancer-predisposing syndrome. Last evaluated: 2024-08-16. Review status: criteria provided, single submitter. Criteria: Ambry Variant Classification Scheme 2023. Collection method: clinical testing. Allele origin: germline.
Comment: The p.H606Q variant (also known as c.1818T>G), located in coding exon 9 of the BARD1 gene, results from a T to G substitution at nucleotide position 1818. The histidine at codon 606 is replaced by glutamine, an amino acid with highly similar properties. This amino acid position is highly conserved in available vertebrate species. In addition, this alteration is predicted to be deleterious by in silico analysis. Since supporting evidence is limited at this time, the clinical significance of this alteration remains unclear.

Labcorp Genetics (formerly Invitae), Labcorp
Classification: Uncertain significance for Familial cancer of breast. Last evaluated: 2024-02-14. Review status: criteria provided, single submitter. Criteria: Invitae Variant Classification Sherloc (09022015). Collection method: clinical testing. Allele origin: germline.
Comment: This sequence change replaces histidine, which is basic and polar, with glutamine, which is neutral and polar, at codon 606 of the BARD1 protein (p.His606Gln). This variant is not present in population databases (gnomAD no frequency). This variant has not been reported in the literature in individuals affected with BARD1-related conditions. ClinVar contains an entry for this variant (Variation ID: 631420). An algorithm developed to predict the effect of missense changes on protein structure and function (PolyPhen-2) suggests that this variant is likely to be disruptive. In summary, the available evidence is currently insufficient to determine the role of this variant in disease. Therefore, it has been classified as a Variant of Uncertain Significance.

Fulgent Genetics
Classification: Uncertain significance for Familial cancer of breast. Last evaluated: 2024-01-17. Review status: criteria provided, single submitter. Criteria: ACMG Guidelines, 2015. Collection method: clinical testing. Allele origin: germline.

Color Diagnostics, LLC DBA Color Health
Classification: Uncertain significance for Hereditary cancer-predisposing syndrome. Last evaluated: 2023-12-05. Review status: criteria provided, single submitter. Criteria: ACMG Guidelines, 2015. Collection method: clinical testing. Allele origin: germline.
Comment: This missense variant replaces histidine with glutamine at codon 606 of the BARD1 protein. Computational prediction is inconclusive regarding the impact of this variant on protein structure and function (internally defined REVEL score threshold 0.5 < inconclusive < 0.7, PMID: 27666373). To our knowledge, functional studies have not been reported for this variant. This variant has not been reported in individuals affected with BARD1-related disorders in the literature. This variant has not been identified in the general population by the Genome Aggregation Database (gnomAD). The available evidence is insufficient to determine the role of this variant in disease conclusively. Therefore, this variant is classified as a Variant of Uncertain Significance.